The following is an entry in ClinVar:

NM_003151.4(STAT4):c.1852+6T>C

Gene: STAT4 (signal transducer and activator of transcription 4; minus strand). Cytogenetic location: 2q32.2.
Variant type: single nucleotide variant.
Coding change: c.1852+6T>C on transcript NM_003151.4 (MANE Select); 6 bases into the intron after coding-DNA position 1852, T replaced by C.
Molecular consequence: intron variant.
Genome position (GRCh38, 1-based): chr2:191,033,484, A>G on the plus strand (T>C on the coding strand, the complement: STAT4 is on the minus strand). VCF-style: chr2-191033484-A-G. GRCh37 (hg19) VCF-style: chr2-191898210-A-G.
Other names: c.1852+6T>C (NM_001243835.2).
Identifiers: ClinVar variation 2895023 (VCV002895023.3), dbSNP rs201561308, ClinGen allele CA2030478.

ClinVar aggregate classification (germline): Uncertain significance (1 of 4 stars; one submission).

Allele frequency attached by ClinVar (database versions not stated): gnomAD 0.00001; TOPMed below 0.00001; ExAC 0.00001; 1000 Genomes Project 0.00020; gnomAD exomes 0.00001; 1000 Genomes Project 30x 0.00016.
gnomAD v4.1: 4 of 1,608,578 alleles (0.00025%); highest among the groups gnomAD compares: Admixed American, 0.0069%; no homozygotes.

Submission:

Labcorp Genetics (formerly Invitae), Labcorp
Classification: Uncertain significance. Last evaluated: 2025-11-06. Review status: criteria provided, single submitter. Criteria: Invitae Variant Classification Sherloc (09022015). Collection method: clinical testing. Allele origin: germline.
Comment: This sequence change falls in intron 20 of the STAT4 gene. It does not directly change the encoded amino acid sequence of the STAT4 protein. It affects a nucleotide within the consensus splice site. This variant is present in population databases (rs201561308, gnomAD 0.009%). This variant has not been reported in the literature in individuals affected with STAT4-related conditions. ClinVar contains an entry for this variant (Variation ID: 2895023). Variants that disrupt the consensus splice site are a relatively common cause of aberrant splicing (PMID: 17576681, 9536098). Algorithms developed to predict the effect of sequence changes on RNA splicing suggest that this variant may disrupt the consensus splice site. In summary, the available evidence is currently insufficient to determine the role of this variant in disease. Therefore, it has been classified as a Variant of Uncertain Significance.

Literature cited by the submitters: PubMed 17576681; PubMed 9536098.